The following is an entry in ClinVar:

ClinVar aggregate classification (germline): Uncertain significance (1 of 4 stars; one submission).

Conditions:
Hereditary cancer-predisposing syndrome. Also called: Hereditary Cancer Syndrome; Hereditary neoplastic syndrome; Neoplastic Syndromes, Hereditary; Tumor predisposition. Identifiers: Orphanet 140162, MedGen C0027672, MeSH D009386, MONDO:0015356.

Submission:

Ambry Genetics
Classification: Uncertain significance for Hereditary cancer-predisposing syndrome. Last evaluated: 2022-07-05. Review status: criteria provided, single submitter. Criteria: Ambry Variant Classification Scheme 2023. Collection method: clinical testing. Allele origin: germline.
Comment: The p.D459E variant (also known as c.1377T>A), located in coding exon 10 of the APC gene, results from a T to A substitution at nucleotide position 1377. The aspartic acid at codon 459 is replaced by glutamic acid, an amino acid with highly similar properties. This amino acid position is conserved. In addition, in silico predictors for this gene do not accurately predict pathogenicity. Since supporting evidence is limited at this time, the clinical significance of this alteration remains unclear.

NM_000038.6(APC):c.1377T>A (p.Asp459Glu)

Gene: APC (APC regulator of Wnt signaling pathway; plus strand). Cytogenetic location: 5q22.2.
Variant type: single nucleotide variant.
Coding change: c.1377T>A on transcript NM_000038.6 (MANE Select); coding-DNA position 1377, T replaced by A.
Protein change: p.Asp459Glu; replaces aspartic acid 459 with glutamic acid.
Molecular consequence: missense variant.
Genome position (GRCh38, 1-based): chr5:112,821,960, T>A. VCF-style: chr5-112821960-T-A. GRCh37 (hg19) VCF-style: chr5-112157657-T-A.
Other names: c.1377T>A, p.Asp459Glu (NM_001127510.3, NM_001354895.2, NM_001354896.2 and 4 more transcripts); c.1323T>A, p.Asp441Glu (NM_001127511.3); c.1407T>A, p.Asp469Glu (NM_001354897.2, NM_001407446.1); c.1302T>A, p.Asp434Glu (NM_001354898.2, NM_001407451.1); c.1293T>A, p.Asp431Glu (NM_001354899.2, NM_001407452.1); c.1200T>A, p.Asp400Glu (NM_001354900.2, NM_001354901.2, NM_001407453.1); c.1104T>A, p.Asp368Glu (NM_001354902.2); c.1074T>A, p.Asp358Glu (NM_001354903.2, NM_001407454.1, NM_001407455.1 and 5 more transcripts); and 5 more; short protein forms D176E, D441E, D299E, D330E, D368E, D75E, D358E, D400E.
Identifiers: ClinVar variation 1771197 (VCV001771197.2), dbSNP rs2149792488, ClinGen allele CA16024320.